The following is an entry in ClinVar:

NM_007347.5(AP4E1):c.2091-9C>T

Gene: AP4E1 (adaptor related protein complex 4 subunit epsilon 1; plus strand). Cytogenetic location: 15q21.2.
Variant type: single nucleotide variant.
Coding change: c.2091-9C>T on transcript NM_007347.5 (MANE Select); 9 bases into the intron before coding-DNA position 2091, C replaced by T.
Molecular consequence: intron variant.
Genome position (GRCh38, 1-based): chr15:50,993,361, C>T. VCF-style: chr15-50993361-C-T. GRCh37 (hg19) VCF-style: chr15-51285558-C-T.
Other names: c.1866-9C>T (NM_001252127.2).
Identifiers: ClinVar variation 3043324 (VCV003043324.3), dbSNP rs369000416, ClinGen allele CA7559255.

ClinVar aggregate classification (germline): Likely benign. Review status: criteria provided, single submitter (1 of 4 stars). 2 submissions from 2 submitters: Likely benign (1). 1 of the submissions does not count toward it. Last evaluated 2023-09-05.

Conditions:
AP4E1-related disorder. Also called: AP4E1-related condition.

Allele frequency attached by ClinVar (database versions not stated): 1000 Genomes Project 30x 0.00016; 1000 Genomes Project 0.00020.

Submissions (2):

Blueprint Genetics
Classification: Likely benign. Last evaluated: 2023-09-05. Review status: criteria provided, single submitter. Criteria: ACMG Guidelines, 2015. Collection method: clinical testing. Allele origin: germline.

PreventionGenetics, part of Exact Sciences
Classification: Likely benign for AP4E1-related condition. Last evaluated: 2019-07-01. Review status: no assertion criteria provided. Collection method: clinical testing. Allele origin: germline. Not counted in ClinVar's aggregate classification.
Comment: This variant is classified as likely benign based on ACMG/AMP sequence variant interpretation guidelines (Richards et al. 2015 PMID: 25741868, with internal and published modifications).